The following is an entry in ClinVar:

ClinVar aggregate classification (germline): Uncertain significance. Review status: criteria provided, multiple submitters, no conflicts (2 of 4 stars). 2 submissions from 2 submitters: Uncertain significance (2). Last evaluated 2026-01-01.

Conditions:
Inborn genetic diseases. Identifiers: MedGen C0950123, MeSH D030342.

gnomAD v4.1: 20 of 1,614,184 alleles (0.0012%); highest among the groups gnomAD compares: Middle Eastern, 0.033%; no homozygotes.

Submissions (2):

CeGaT Center for Human Genetics Tuebingen
Classification: Uncertain significance. Last evaluated: 2026-01-01. Review status: criteria provided, single submitter. Criteria: CeGaT Center For Human Genetics Tuebingen Variant Classification Criteria Version 2. Collection method: clinical testing. Allele origin: germline. Affected: yes. Observed: 1 variant allele.
Comment: FLG: PM2, BP4

Ambry Genetics
Classification: Uncertain significance for Inborn genetic diseases. Last evaluated: 2024-06-26. Review status: criteria provided, single submitter. Criteria: Ambry Variant Classification Scheme 2023. Collection method: clinical testing. Allele origin: germline.

NM_002016.2(FLG):c.12099T>A (p.Asn4033Lys)

Genes: CCDST (cervical cancer associated DHX9 suppressive transcript; plus strand), FLG (filaggrin; minus strand). Cytogenetic location: 1q21.3.
Variant type: single nucleotide variant.
Coding change: c.12099T>A on transcript NM_002016.2 (MANE Select); coding-DNA position 12099, T replaced by A.
Protein change: p.Asn4033Lys; replaces asparagine 4033 with lysine.
Molecular consequence: missense variant.
Genome position (GRCh38, 1-based): chr1:152,302,787, A>T on the plus strand (T>A on the coding strand, the complement: FLG is on the minus strand). VCF-style: chr1-152302787-A-T. GRCh37 (hg19) VCF-style: chr1-152275263-A-T.
Other names: short protein forms N4033K.
Identifiers: ClinVar variation 3515755 (VCV003515755.5).